The following is an entry in ClinVar:

NM_002332.3(LRP1):c.8191+9C>T

Gene: LRP1 (LDL receptor related protein 1; plus strand). Cytogenetic location: 12q13.3.
Variant type: single nucleotide variant.
Coding change: c.8191+9C>T on transcript NM_002332.3 (MANE Select); 9 bases into the intron after coding-DNA position 8191, C replaced by T.
Molecular consequence: intron variant.
Genome position (GRCh38, 1-based): chr12:57,194,708, C>T. VCF-style: chr12-57194708-C-T. GRCh37 (hg19) VCF-style: chr12-57588491-C-T.
Other names: c.8191+9C>T (NM_002332.2).
Identifiers: ClinVar variation 1270192 (VCV001270192.3), dbSNP rs1800188, ClinGen allele CA6644285.

ClinVar aggregate classification (germline): Benign. Review status: criteria provided, multiple submitters, no conflicts (2 of 4 stars). 3 submissions from 3 submitters: Benign (3). Last evaluated 2026-05-11.

Conditions:
LRP1-related disorder. Also called: LRP1-related condition.

Allele frequency attached by ClinVar (database versions not stated): ExAC 0.05465; TOPMed 0.05571; gnomAD 0.05715 and 0.05849; gnomAD exomes 0.05788 and 0.03610; 1000 Genomes Project 30x 0.09088; ESP Exome Variant Server 0.04798; 1000 Genomes Project 0.09685.
gnomAD v4.1: 59,710 of 1,541,568 alleles (3.9%); highest among the groups gnomAD compares: East Asian, 20%; 2,096 homozygotes.

Submissions (3):

PreventionGenetics, part of Exact Sciences
Classification: Benign for LRP1-related condition. Last evaluated: 2026-05-11. Review status: criteria provided, single submitter. Criteria: ACMG Guidelines, 2015. Collection method: clinical testing. Allele origin: germline.
Comment: This variant is classified as benign based on ACMG/AMP sequence variant interpretation guidelines (Richards et al. 2015 PMID: 25741868, with internal and published modifications).

GeneDx
Classification: Benign. Last evaluated: 2021-06-20. Review status: criteria provided, single submitter. Criteria: GeneDx Variant Classification Process June 2021. Collection method: clinical testing. Allele origin: germline. Affected: yes.

Breakthrough Genomics
Classification: Benign. Review status: criteria provided, single submitter. Criteria: ACMG Guidelines, 2015. Collection method: not provided. Allele origin: germline. Inheritance: Autosomal recessive inheritance. Affected: yes.